The following is an entry in ClinVar:

NM_015338.6(ASXL1):c.4217T>C (p.Met1406Thr)

Gene: ASXL1 (ASXL transcriptional regulator 1; plus strand). Cytogenetic location: 20q11.21.
Variant type: single nucleotide variant.
Coding change: c.4217T>C on transcript NM_015338.6 (MANE Select); coding-DNA position 4217, T replaced by C.
Protein change: p.Met1406Thr; replaces methionine 1406 with threonine.
Molecular consequence: missense variant.
Genome position (GRCh38, 1-based): chr20:32,436,929, T>C. VCF-style: chr20-32436929-T-C. GRCh37 (hg19) VCF-style: chr20-31024732-T-C.
Other names: c.4034T>C, p.Met1345Thr (NM_001363734.1); short protein forms M1345T, M1406T.
Identifiers: ClinVar variation 2405594 (VCV002405594.3), dbSNP rs2145393736, ClinGen allele CA408564685.
Genomic context (GRCh38, chr20:32,436,929, plus strand): 5'-AAGCTACTGGGCATAGTCCCCTGGAACTGGTGGGTCACTTGGAAGGGATGCCCTTTGTCA[T>C]GGACTTGCCCTTCTGGAAATTACCCCGAGAGCCAGGGAAGGGGCTCAGTGAGCCTCTGGA-3'
Protein context (NP_056153.2, residues 1396-1416): VGHLEGMPFV[Met1406Thr]DLPFWKLPRE

ClinVar aggregate classification (germline): Uncertain significance (1 of 4 stars; one submission).

Conditions:
Inborn genetic diseases. Identifiers: MedGen C0950123, MeSH D030342.

Submission:

Ambry Genetics
Classification: Uncertain significance for Inborn genetic diseases. Last evaluated: 2025-04-20. Review status: criteria provided, single submitter. Criteria: Ambry Variant Classification Scheme 2023. Collection method: clinical testing. Allele origin: germline.
Comment: The p.M1406T variant (also known as c.4217T>C), located in coding exon 13 of the ASXL1 gene, results from a T to C substitution at nucleotide position 4217. The methionine at codon 1406 is replaced by threonine, an amino acid with similar properties. This amino acid position is conserved. In addition, this alteration is predicted to be tolerated by in silico analysis. Based on the available evidence, the clinical significance of this variant remains unclear.